The following is an entry in ClinVar:

ClinVar aggregate classification (germline): Uncertain significance (1 of 4 stars; one submission).

Conditions:
DLG2-related disorder. Also called: DLG2-related condition.

Allele frequency attached by ClinVar (database versions not stated): TOPMed below 0.00001.

Submission:

PreventionGenetics, part of Exact Sciences
Classification: Uncertain significance for DLG2-related condition. Last evaluated: 2023-07-12. Review status: criteria provided, single submitter. Criteria: ACMG Guidelines, 2015. Collection method: clinical testing. Allele origin: germline.
Comment: The DLG2 c.1969G>T variant is predicted to result in the amino acid substitution p.Asp657Tyr. To our knowledge, this variant has not been reported in the literature or in a large population database, indicating this variant is rare. At this time, the clinical significance of this variant is uncertain due to the absence of conclusive functional and genetic evidence.

NM_001142699.3(DLG2):c.1969G>T (p.Asp657Tyr)

Gene: DLG2 (discs large MAGUK scaffold protein 2; minus strand). Cytogenetic location: 11q14.1.
Variant type: single nucleotide variant.
Coding change: c.1969G>T on transcript NM_001142699.3 (MANE Select); coding-DNA position 1969, G replaced by T.
Protein change: p.Asp657Tyr; replaces aspartic acid 657 with tyrosine.
Molecular consequence: missense variant. On other transcripts: non-coding transcript variant (1), intron variant (1).
Genome position (GRCh38, 1-based): chr11:83,541,830, C>A on the plus strand (G>T on the coding strand, the complement: DLG2 is on the minus strand). VCF-style: chr11-83541830-C-A. GRCh37 (hg19) VCF-style: chr11-83252873-C-A.
Other names: c.1345G>T, p.Asp449Tyr (NM_001142700.2); c.100G>T, p.Asp34Tyr (NM_001142702.2, NM_001377978.1, NM_001377979.1 and 2 more transcripts); c.1771G>T, p.Asp591Tyr (NM_001206769.2, NM_001377966.1, NM_001377967.1); c.1654G>T, p.Asp552Tyr (NM_001300983.1, NM_001364.3, NM_001377968.1); c.2005G>T, p.Asp669Tyr (NM_001351274.2); c.2002G>T, p.Asp668Tyr (NM_001351275.2); c.1711G>T, p.Asp571Tyr (NM_001351276.2); c.1615G>T, p.Asp539Tyr (NM_001377970.1, NM_001377971.1); and 6 more; short protein forms D34Y, D449Y, D467Y, D510Y, D519Y, D539Y, D552Y, D571Y.
Identifiers: ClinVar variation 2632669 (VCV002632669.1), dbSNP rs1435647123, ClinGen allele CA382194706.
Genomic context (GRCh38, chr11:83,541,830, plus strand): 5'-TGATAACGTGGAGAATATCTCCATATTTAAAACTAAGTCCTTGACTTGGCAGCCCACTGT[C>A]CTTGCTCTTGTCGTAGTCGAACATGGCTCTGGAGGAAAGGACAAAAGAGGACATTGTTAG-3'
Protein context (NP_001136171.1, residues 647-667): RAMFDYDKSK[Asp657Tyr]SGLPSQGLSF